The following is an entry in ClinVar:

ClinVar aggregate classification (germline): Uncertain significance (1 of 4 stars; one submission).

Conditions:
Renal cell carcinoma. Identifiers: Orphanet 217071, MedGen C0007134, MeSH D002292, MONDO:0005086, HP:0005584.

gnomAD v4.1: 2 of 1,614,184 alleles (0.00012%); highest among the groups gnomAD compares: Non-Finnish European, 0.00017%; no homozygotes.

Submission:

Labcorp Genetics (formerly Invitae), Labcorp
Classification: Uncertain significance for Renal cell carcinoma. Last evaluated: 2025-02-26. Review status: criteria provided, single submitter. Criteria: Invitae Variant Classification Sherloc (09022015). Collection method: clinical testing. Allele origin: germline.
Comment: This sequence change replaces alanine, which is neutral and non-polar, with valine, which is neutral and non-polar, at codon 532 of the MET protein (p.Ala532Val). This variant is not present in population databases (gnomAD no frequency). This variant has not been reported in the literature in individuals affected with MET-related conditions. Invitae Evidence Modeling of protein sequence and biophysical properties (such as structural, functional, and spatial information, amino acid conservation, physicochemical variation, residue mobility, and thermodynamic stability) indicates that this missense variant is expected to disrupt MET protein function with a positive predictive value of 80%. In summary, the available evidence is currently insufficient to determine the role of this variant in disease. Therefore, it has been classified as a Variant of Uncertain Significance.

NM_000245.4(MET):c.1595C>T (p.Ala532Val)

Gene: MET (MET proto-oncogene, receptor tyrosine kinase; plus strand). Cytogenetic location: 7q31.2.
Variant type: single nucleotide variant.
Coding change: c.1595C>T on transcript NM_000245.4 (MANE Select); coding-DNA position 1595, C replaced by T.
Protein change: p.Ala532Val; replaces alanine 532 with valine.
Molecular consequence: missense variant.
Genome position (GRCh38, 1-based): chr7:116,740,919, C>T. VCF-style: chr7-116740919-C-T. GRCh37 (hg19) VCF-style: chr7-116380973-C-T.
Other names: c.1595C>T, p.Ala532Val (NM_001127500.3, NM_001324401.3); c.305C>T, p.Ala102Val (NM_001324402.2); short protein forms A102V, A532V.
Identifiers: ClinVar variation 4812118 (VCV004812118.1).